The following is an entry in ClinVar:

NM_001111067.4(ACVR1):c.767_772del (p.Met256_Leu257del)

Gene: ACVR1 (activin A receptor type 1; minus strand). Cytogenetic location: 2q24.1.
Variant type: Deletion.
Coding change: c.767_772del on transcript NM_001111067.4 (MANE Select); coding-DNA positions 767 to 772, 6 bases deleted (TGCTGA; older notation c.767_772delTGCTGA).
Protein change: p.Met256_Leu257del.
Genome position (GRCh38, 1-based): chr2:157,770,386-157,770,391, TCAGCA deleted on the plus strand (TGCTGA on the coding strand, the reverse complement: ACVR1 is on the minus strand); deleting any 6 consecutive bases within chr2:157,770,386-157,770,394 gives the same sequence; the c. name uses the placement nearest the transcript's 3' end. VCF-style (leftmost placement, unchanged base first): chr2-157770385-CTCAGCA-C. GRCh37 (hg19) VCF-style: chr2-158626897-CTCAGCA-C.
Other names: c.767_772del, p.Met256_Leu257del (NM_001105.5, NM_001347663.1, NM_001347664.1 and 3 more transcripts).
Identifiers: ClinVar variation 4530177 (VCV004530177.1).

ClinVar aggregate classification (somatic clinical impact): Tier II - Potential (1 of 4 stars; one submission).

Conditions:
Embryonal rhabdomyosarcoma (ERMS). Also called: Botryoid rhabdomyosarcoma (type of ERMS); Spindle cell rhabdomyosarcomas (type of ERMS). Identifiers: Orphanet 99757, MedGen C0206656, MONDO:0009993, HP:0006743.

Submission:

Institute for Genomic Medicine (IGM) Clinical Laboratory, Nationwide Children's Hospital
Classification: Tier II - Potential for Embryonal rhabdomyosarcoma. Assertion type: diagnostic. Clinical significance: supports diagnosis. Last evaluated: 2024-01-09. Review status: criteria provided, single submitter. Criteria: AMP/ASCO/CAP Guidelines, 2017. Collection method: clinical testing. Allele origin: somatic. Affected: yes.
Comment: Variant has Tier II (potential) clinical significance as a diagnostic inclusion criterion in embryonal rhabdomyosarcoma, based on the following evidence: 1) Assists in diagnosis alone or along with other biomarkers based on small studies or few case reports (Evidence Level D; PMIDs: 10834937, 12974945, 24705250, 26291313, 20219075).

Literature cited by the submitters: PubMed 10834937; PubMed 12974945; PubMed 24705250; PubMed 26291313; PubMed 20219075.